The following is an entry in ClinVar:

NM_000834.5(GRIN2B):c.1541C>T (p.Thr514Ile)

Gene: GRIN2B (glutamate ionotropic receptor NMDA type subunit 2B; minus strand). Cytogenetic location: 12p13.1.
Variant type: single nucleotide variant.
Coding change: c.1541C>T on transcript NM_000834.5 (MANE Select); coding-DNA position 1541, C replaced by T.
Protein change: p.Thr514Ile; replaces threonine 514 with isoleucine.
Molecular consequence: missense variant.
Genome position (GRCh38, 1-based): chr12:13,615,227, G>A on the plus strand (C>T on the coding strand, the complement: GRIN2B is on the minus strand). VCF-style: chr12-13615227-G-A. GRCh37 (hg19) VCF-style: chr12-13768161-G-A.
Other names: c.1541C>T, p.Thr514Ile (NM_001413992.1); short protein forms T514I.
Identifiers: ClinVar variation 4755739 (VCV004755739.1).

ClinVar aggregate classification (germline): Pathogenic (1 of 4 stars; one submission).

Submission:

GeneDx
Classification: Pathogenic. Last evaluated: 2025-08-07. Review status: criteria provided, single submitter. Criteria: GeneDx Variant Classification Process June 2021. Collection method: clinical testing. Allele origin: germline. Affected: yes.
Comment: Not observed at significant frequency in large population cohorts (gnomAD); In silico analysis supports that this missense variant has a deleterious effect on protein structure/function; Has not been previously published as pathogenic or benign to our knowledge; This variant is associated with the following publications: (PMID: 27839871, 35240744)